The following is an entry in ClinVar:

NM_173659.5(RPUSD3):c.646C>T (p.Arg216Cys)

Gene: RPUSD3 (RNA pseudouridine synthase D3; minus strand). Cytogenetic location: 3p25.3.
Variant type: single nucleotide variant.
Coding change: c.646C>T on transcript NM_173659.5 (MANE Select); coding-DNA position 646, C replaced by T.
Protein change: p.Arg216Cys; replaces arginine 216 with cysteine.
Molecular consequence: missense variant.
Genome position (GRCh38, 1-based): chr3:9,840,238, G>A on the plus strand (C>T on the coding strand, the complement: RPUSD3 is on the minus strand). VCF-style: chr3-9840238-G-A. GRCh37 (hg19) VCF-style: chr3-9881922-G-A.
Other names: c.601C>T, p.Arg201Cys (NM_001142547.3); c.574C>T, p.Arg192Cys (NM_001351736.3); c.646C>T, p.Arg216Cys (NM_001351737.2); c.674C>T, p.Ser225Leu (NM_001351738.2); short protein forms R192C, R201C, R216C, S225L.
Identifiers: ClinVar variation 225035 (VCV000225035.3), dbSNP rs767103943, ClinGen allele CA358254.
Genomic context (GRCh38, chr3:9,840,238, plus strand): 5'-ACCTACCTGTCAGTGGCTGCAGCTGGACCAGGGCACAGCCAGAGCCTGTGGCTACCACAC[G>A]AAAGTGACTGAGAGTCTTCTTGACACCTTCCAGGATGTCCTTTCGGGATGGGGCCTTCAC-3'
Protein context (NP_775930.3, residues 206-226): EGVKKTLSHF[Arg216Cys]VVATGSGCAL

ClinVar aggregate classification (germline): Likely pathogenic (1 of 4 stars; one submission).

Conditions:
Inborn genetic diseases. Identifiers: MedGen C0950123, MeSH D030342.

Allele frequency attached by ClinVar (database versions not stated): ExAC 0.00002.

Submission:

Ambry Genetics
Classification: Likely pathogenic for Inborn genetic diseases. Review status: criteria provided, single submitter. Criteria: Ambry exome assertion method (8-5-2015). Collection method: clinical testing. Allele origin: germline. Inheritance: Autosomal recessive inheritance. Affected: yes. Observed: 1 heterozygote. Segregation with disease observed.

Literature cited by the submitters: PubMed 25356970.